The following is an entry in ClinVar:

ClinVar aggregate classification (germline): Likely pathogenic (1 of 4 stars; one submission).

Conditions:
Bone marrow failure syndrome 3 (BMFS3). Identifiers: MedGen C4310744, MONDO:0014887, OMIM 617052.

Submission:

Neuberg Centre For Genomic Medicine, NCGM
Classification: Likely pathogenic for Bone marrow failure syndrome 3. Review status: criteria provided, single submitter. Criteria: ACMG Guidelines, 2015. Collection method: clinical testing. Allele origin: germline. Inheritance: Autosomal recessive inheritance. Affected: yes.
Comment: The splice site acceptor c.316-2A>C variant in DNAJC21 gene has not been reported previously as a pathogenic variant nor as a benign variant, to our knowledge. The variant is novel (not in any individuals) in gnomAD and 1000 Genomes. This variant affects the invariant splice site. Loss of function variants have been previously reported to be disease causing. For these reasons, this variant has been classified as Likely Pathogenic.

NM_001012339.3(DNAJC21):c.316-2A>C

Gene: DNAJC21 (DnaJ heat shock protein family (Hsp40) member C21; plus strand). Cytogenetic location: 5p13.2.
Variant type: single nucleotide variant.
Coding change: c.316-2A>C on transcript NM_001012339.3 (MANE Select); the canonical splice acceptor site of the intron before coding-DNA position 316, A replaced by C.
Molecular consequence: splice acceptor variant.
Genome position (GRCh38, 1-based): chr5:34,936,142, A>C. VCF-style: chr5-34936142-A-C. GRCh37 (hg19) VCF-style: chr5-34936247-A-C.
Other names: c.316-2A>C (NM_001348420.2, NM_194283.4).
Identifiers: ClinVar variation 2585147 (VCV002585147.1), dbSNP rs2480589765, ClinGen allele CA359413487.